The following is an entry in ClinVar:

ClinVar aggregate classification (germline): Conflicting classifications of pathogenicity. Review status: criteria provided, conflicting classifications (1 of 4 stars). 2 submissions from 2 submitters: Pathogenic (1); Uncertain significance (1). Last evaluated 2024-04-22.

Conditions:
Early-infantile DEE. Also called: Ohtahara syndrome; Early infantile epileptic encephalopathy with suppression bursts; Early infantile epileptic encephalopathy. Identifiers: Orphanet 1934, MedGen C0393706, MONDO:0800491.

Submissions (2):

GeneDx
Classification: Pathogenic. Last evaluated: 2024-04-22. Review status: criteria provided, single submitter. Criteria: GeneDx Variant Classification Process June 2021. Collection method: clinical testing. Allele origin: germline. Affected: yes.
Comment: Reported in an individual with a KCNQ2-related disorder; however, detailed clinical information and segregation were not provided (PMID: 36007526); In silico analysis supports that this missense variant has a deleterious effect on protein structure/function; This substitution is predicted to be within the Intracellular loop between the S4 and S5 transmembrane segments; Not observed at significant frequency in large population cohorts (gnomAD); This variant is associated with the following publications: (PMID: 36007526)

Labcorp Genetics (formerly Invitae), Labcorp
Classification: Uncertain significance for Early-infantile DEE. Last evaluated: 2022-07-19. Review status: criteria provided, single submitter. Criteria: Invitae Variant Classification Sherloc (09022015). Collection method: clinical testing. Allele origin: germline.
Comment: In summary, the available evidence is currently insufficient to determine the role of this variant in disease. Therefore, it has been classified as a Variant of Uncertain Significance. Advanced modeling of protein sequence and biophysical properties (such as structural, functional, and spatial information, amino acid conservation, physicochemical variation, residue mobility, and thermodynamic stability) performed at Invitae indicates that this missense variant is expected to disrupt KCNQ2 protein function. ClinVar contains an entry for this variant (Variation ID: 1404964). This variant has not been reported in the literature in individuals affected with KCNQ2-related conditions. This variant is not present in population databases (gnomAD no frequency). This sequence change replaces glycine, which is neutral and non-polar, with aspartic acid, which is acidic and polar, at codon 222 of the KCNQ2 protein (p.Gly222Asp).

NM_172107.4(KCNQ2):c.665G>A (p.Gly222Asp)

Gene: KCNQ2 (potassium voltage-gated channel subfamily Q member 2; minus strand). Cytogenetic location: 20q13.33.
Variant type: single nucleotide variant.
Coding change: c.665G>A on transcript NM_172107.4 (MANE Select); coding-DNA position 665, G replaced by A.
Protein change: p.Gly222Asp; replaces glycine 222 with aspartic acid.
Molecular consequence: missense variant.
Genome position (GRCh38, 1-based): chr20:63,444,684, C>T on the plus strand (G>A on the coding strand, the complement: KCNQ2 is on the minus strand). VCF-style: chr20-63444684-C-T. GRCh37 (hg19) VCF-style: chr20-62076037-C-T.
Other names: c.665G>A, p.Gly222Asp (NM_001382235.1, NM_004518.6, NM_172106.3 and 2 more transcripts); c.665G>A (NM_172107.2); short protein forms G222D.
Identifiers: ClinVar variation 1404964 (VCV001404964.8), dbSNP rs2145774681, ClinGen allele CA409654689.
Genomic context (GRCh38, chr20:63,444,684, plus strand): 5'-GGGCGCCCACCGCCAGCCTTGGGGCCGTGACTCACCTTGCTGTGGGCATAGACCACAGAG[C>T]CCAGCAGCTTCCAGGTGCCTCCCCGCCGGTCCATGCGGATCATCCGCAGAATCTGCAGGA-3'
Protein context (NP_742105.1, residues 212-232): DRRGGTWKLL[Gly222Asp]SVVYAHSKEL